The following is an entry in ClinVar:

ClinVar aggregate classification (germline): Uncertain significance. Review status: criteria provided, multiple submitters, no conflicts (2 of 4 stars). 3 submissions from 3 submitters: Uncertain significance (3). Last evaluated 2022-01-09.

Conditions:
Hypertrophic cardiomyopathy 1 (CMH1). Also called: MYH7-Related Familial Hypertrophic Cardiomyopathy; Familial hypertrophic cardiomyopathy 1. Identifiers: MedGen C3495498, MONDO:0008647, OMIM 192600.
Sick sinus syndrome 3, susceptibility to (SSS3). Identifiers: Orphanet 166282, MedGen C3279791, MONDO:0013568, OMIM 614090.
Atrial septal defect 3 (ASD3). Identifiers: Orphanet 1478, MedGen C3279790, MONDO:0013567, OMIM 614089.
Dilated cardiomyopathy 1EE (CMD1EE). Identifiers: Orphanet 154, MedGen C2750466, MONDO:0013198, OMIM 613252.
Hypertrophic cardiomyopathy 14. Identifiers: MedGen C2750467, MONDO:0013197, OMIM 613251.
Cardiovascular phenotype. Identifiers: MedGen CN230736.

Allele frequency attached by ClinVar (database versions not stated): gnomAD exomes below 0.00001.
gnomAD v4.1: 3 of 1,614,148 alleles (0.00019%); highest among the groups gnomAD compares: Non-Finnish European, 0.00025%; no homozygotes.

Submissions (3):

AiLife Diagnostics
Classification: Uncertain significance. Last evaluated: 2022-01-09. Review status: criteria provided, single submitter. Criteria: ACMG Guidelines, 2015. Collection method: clinical testing. Allele origin: germline. Affected: yes. Observed: 1 variant allele.

Fulgent Genetics
Classification: Uncertain significance for Hypertrophic cardiomyopathy 1; Hypertrophic cardiomyopathy 14; Dilated cardiomyopathy 1EE; Atrial septal defect 3; Sick sinus syndrome 3, susceptibility to. Last evaluated: 2021-10-18. Review status: criteria provided, single submitter. Criteria: ACMG Guidelines, 2015. Collection method: clinical testing. Allele origin: unknown.

Ambry Genetics
Classification: Uncertain significance for Cardiovascular phenotype. Last evaluated: 2020-01-24. Review status: criteria provided, single submitter. Criteria: Ambry Variant Classification Scheme 2023. Collection method: clinical testing. Allele origin: germline.
Comment: The c.5662-2A>G intronic variant results from an A to G substitution two nucleotides upstream from coding exon 36 in the MYH6 gene. This nucleotide position is highly conserved in available vertebrate species. This alteration was inherited from an unaffected mother in an individual with isolated truncus arteriosus type 1 (Granados-Riveron JT et al. Hum. Mol. Genet., 2010 Oct;19:4007-16). Using the BDGP and ESEfinder splice site prediction tools, this alteration is predicted to abolish the native splice acceptor site; however, direct evidence is unavailable. Alterations that disrupt the canonical splice site are expected to cause aberrant splicing, resulting in an abnormal protein or a transcript that is subject to nonsense-mediated mRNA decay. However, loss of function of MYH6 has not been clearly established as a mechanism of disease. Since supporting evidence is limited at this time, the clinical significance of this alteration remains unclear.

Literature cited by the submitters: PubMed 20656787 (cited by AiLife Diagnostics and Ambry Genetics).

NM_002471.4(MYH6):c.5662-2A>G

Gene: MYH6 (myosin heavy chain 6; minus strand). Cytogenetic location: 14q11.2.
Variant type: single nucleotide variant.
Coding change: c.5662-2A>G on transcript NM_002471.4 (MANE Select); the canonical splice acceptor site of the intron before coding-DNA position 5662, A replaced by G.
Molecular consequence: splice acceptor variant.
Genome position (GRCh38, 1-based): chr14:23,382,564, T>C on the plus strand (A>G on the coding strand, the complement: MYH6 is on the minus strand). VCF-style: chr14-23382564-T-C. GRCh37 (hg19) VCF-style: chr14-23851773-T-C.
Identifiers: ClinVar variation 1677799 (VCV001677799.4), dbSNP rs2138578417, ClinGen allele CA388982083.
Genomic context (GRCh38, chr14:23,382,564, plus strand): 5'-TCATCCAGCTCATGCTGCACCTTGCGGAACTTGGACAGGTTGGTGTTGGCTTGCTCCTCC[T>C]GTGGTGGGACAGTGGGGATGGGTGAATGAGCTGGAGATGGGCTATGGGATTCTCAGCCTC-3'